The following is an entry in ClinVar:

NM_015559.3(SETBP1):c.3879T>G (p.Ser1293Arg)

Gene: SETBP1 (SET binding protein 1; plus strand). Cytogenetic location: 18q12.3.
Variant type: single nucleotide variant.
Coding change: c.3879T>G on transcript NM_015559.3 (MANE Select); coding-DNA position 3879, T replaced by G.
Protein change: p.Ser1293Arg; replaces serine 1293 with arginine.
Molecular consequence: missense variant.
Genome position (GRCh38, 1-based): chr18:44,953,219, T>G. VCF-style: chr18-44953219-T-G. GRCh37 (hg19) VCF-style: chr18-42533184-T-G.
Other names: c.3879T>G, p.Ser1293Arg (NM_001379141.1, NM_001379142.1, NM_001410862.1); short protein forms S1293R.
Identifiers: ClinVar variation 2108824 (VCV002108824.4), dbSNP rs2511477640, ClinGen allele CA402325389.

ClinVar aggregate classification (germline): Uncertain significance (1 of 4 stars; one submission).

Submission:

Labcorp Genetics (formerly Invitae), Labcorp
Classification: Uncertain significance. Last evaluated: 2024-02-17. Review status: criteria provided, single submitter. Criteria: Invitae Variant Classification Sherloc (09022015). Collection method: clinical testing. Allele origin: germline.
Comment: This sequence change replaces serine, which is neutral and polar, with arginine, which is basic and polar, at codon 1293 of the SETBP1 protein (p.Ser1293Arg). This variant is not present in population databases (gnomAD no frequency). This variant has not been reported in the literature in individuals affected with SETBP1-related conditions. ClinVar contains an entry for this variant (Variation ID: 2108824). Advanced modeling of protein sequence and biophysical properties (such as structural, functional, and spatial information, amino acid conservation, physicochemical variation, residue mobility, and thermodynamic stability) performed at Invitae indicates that this missense variant is not expected to disrupt SETBP1 protein function with a negative predictive value of 80%. In summary, the available evidence is currently insufficient to determine the role of this variant in disease. Therefore, it has been classified as a Variant of Uncertain Significance.